The following is an entry in ClinVar:

ClinVar aggregate classification (germline): Uncertain significance (1 of 4 stars; one submission).

gnomAD v4.1: 1 of 1,613,928 alleles (0.000062%); highest among the groups gnomAD compares: Non-Finnish European, 0.000085%; no homozygotes.

Submission:

Labcorp Genetics (formerly Invitae), Labcorp
Classification: Uncertain significance. Last evaluated: 2022-11-22. Review status: criteria provided, single submitter. Criteria: Invitae Variant Classification Sherloc (09022015). Collection method: clinical testing. Allele origin: germline.
Comment: In summary, the available evidence is currently insufficient to determine the role of this variant in disease. Therefore, it has been classified as a Variant of Uncertain Significance. Algorithms developed to predict the effect of missense changes on protein structure and function are either unavailable or do not agree on the potential impact of this missense change (SIFT: "Deleterious"; PolyPhen-2: "Possibly Damaging"; Align-GVGD: "Class C0"). This variant has not been reported in the literature in individuals affected with PCNT-related conditions. This variant is not present in population databases (gnomAD no frequency). This sequence change replaces glutamic acid, which is acidic and polar, with lysine, which is basic and polar, at codon 1563 of the PCNT protein (p.Glu1563Lys).

NM_006031.6(PCNT):c.4687G>A (p.Glu1563Lys)

Gene: PCNT (pericentrin; plus strand). Cytogenetic location: 21q22.3.
Variant type: single nucleotide variant.
Coding change: c.4687G>A on transcript NM_006031.6 (MANE Select); coding-DNA position 4687, G replaced by A.
Protein change: p.Glu1563Lys; replaces glutamic acid 1563 with lysine.
Molecular consequence: missense variant.
Genome position (GRCh38, 1-based): chr21:46,399,692, G>A. VCF-style: chr21-46399692-G-A. GRCh37 (hg19) VCF-style: chr21-47819606-G-A.
Other names: c.4333G>A, p.Glu1445Lys (NM_001315529.2); short protein forms E1563K, E1445K.
Identifiers: ClinVar variation 1958011 (VCV001958011.3), dbSNP rs746297554, ClinGen allele CA410580173.